The following is an entry in ClinVar:

NM_018194.6(HHAT):c.935G>A (p.Arg312His)

Gene: HHAT (hedgehog acyltransferase; plus strand). Cytogenetic location: 1q32.2.
Variant type: single nucleotide variant.
Coding change: c.935G>A on transcript NM_018194.6 (MANE Select); coding-DNA position 935, G replaced by A.
Protein change: p.Arg312His; replaces arginine 312 with histidine.
Molecular consequence: missense variant.
Genome position (GRCh38, 1-based): chr1:210,464,583, G>A. VCF-style: chr1-210464583-G-A. GRCh37 (hg19) VCF-style: chr1-210637927-G-A.
Other names: c.935G>A, p.Arg312His (NM_001122834.4, NM_001170580.3); c.524G>A, p.Arg175His (NM_001170564.3); c.938G>A, p.Arg313His (NM_001170587.3); c.740G>A, p.Arg247His (NM_001170588.3); short protein forms R247H, R175H, R312H, R313H.
Identifiers: ClinVar variation 721005 (VCV000721005.12), dbSNP rs34362403, ClinGen allele CA1379288.

ClinVar aggregate classification (germline): Benign. Review status: criteria provided, multiple submitters, no conflicts (2 of 4 stars). 3 submissions from 3 submitters: Benign (2). 1 of the submissions does not count toward it. Last evaluated 2025-05-09.

Conditions:
HHAT-related disorder. Also called: HHAT-related condition.

Allele frequency attached by ClinVar (database versions not stated): gnomAD exomes 0.00116; ExAC 0.00153; gnomAD 0.00390 and 0.00422; TOPMed 0.00436; 1000 Genomes Project 30x 0.00437; 1000 Genomes Project 0.00459; ESP Exome Variant Server 0.00515.
gnomAD v4.1: 1,217 of 1,614,134 alleles (0.075%); highest among the groups gnomAD compares: African/African-American, 1.5%; 9 homozygotes.

Submissions (3):

Labcorp Genetics (formerly Invitae), Labcorp
Classification: Benign. Last evaluated: 2025-05-09. Review status: criteria provided, single submitter. Criteria: Invitae Variant Classification Sherloc (09022015). Collection method: clinical testing. Allele origin: germline.

Breakthrough Genomics
Classification: Benign. Review status: criteria provided, single submitter. Criteria: ACMG Guidelines, 2015. Collection method: not provided. Allele origin: germline. Inheritance: Autosomal recessive inheritance. Affected: yes.

PreventionGenetics, part of Exact Sciences
Classification: Benign for HHAT-related condition. Last evaluated: 2019-07-25. Review status: no assertion criteria provided. Collection method: clinical testing. Allele origin: germline. Not counted in ClinVar's aggregate classification.
Comment: This variant is classified as benign based on ACMG/AMP sequence variant interpretation guidelines (Richards et al. 2015 PMID: 25741868, with internal and published modifications).